The following is an entry in ClinVar:

NM_000206.3(IL2RG):c.395T>A (p.Leu132His)

Gene: IL2RG (interleukin 2 receptor subunit gamma; minus strand). Cytogenetic location: Xq13.1.
Variant type: single nucleotide variant.
Coding change: c.395T>A on transcript NM_000206.3 (MANE Select); coding-DNA position 395, T replaced by A.
Protein change: p.Leu132His; replaces leucine 132 with histidine.
Molecular consequence: missense variant.
Genome position (GRCh38, 1-based): chrX:71,110,563, A>T on the plus strand (T>A on the coding strand, the complement: IL2RG is on the minus strand). VCF-style: chrX-71110563-A-T. GRCh37 (hg19) VCF-style: chrX-70330413-A-T.
Other names: short protein forms L132H.
Identifiers: ClinVar variation 1516811 (VCV001516811.10), dbSNP rs2092261278, ClinGen allele CA413496652.

ClinVar aggregate classification (germline): Conflicting classifications of pathogenicity. Review status: criteria provided, conflicting classifications (1 of 4 stars). 2 submissions from 2 submitters: Likely pathogenic (1); Uncertain significance (1). Last evaluated 2025-07-29.

Conditions:
X-linked severe combined immunodeficiency (SCIDX1). Also called: IMMUNODEFICIENCY 4; SCID, X-LINKED; SEVERE COMBINED IMMUNODEFICIENCY, X-LINKED, T CELL-NEGATIVE, B CELL-POSITIVE, NK CELL-NEGATIVE; T-B+ severe combined immunodeficiency due to gamma chain deficiency; X-Linked Combined Immunodeficiency Diseases. Identifiers: Orphanet 276, MedGen C6022468, MONDO:0010315, OMIM 300400. Disease mechanism: loss of function.

Submissions (2):

Women's Health and Genetics/Laboratory Corporation of America, LabCorp
Classification: Uncertain significance. Last evaluated: 2025-07-29. Review status: criteria provided, single submitter. Criteria: LabCorp Variant Classification Summary - May 2015. Collection method: clinical testing. Allele origin: germline.
Comment: Variant summary: IL2RG c.395T>A (p.Leu132His) results in a non-conservative amino acid change in the encoded protein sequence. Algorithms developed to predict the effect of missense changes on protein structure and function all suggest that this variant is likely to be disruptive. The variant was absent in 183486 control chromosomes. The available data on variant occurrences in the general population are insufficient to allow any conclusion about variant significance. c.395T>A has been observed in individual(s) affected with X-Linked Severe Combined Immunodeficiency (Labcorp Genetics (formerly Invitae)). These data do not allow any conclusion about variant significance. To our knowledge, no experimental evidence demonstrating an impact on protein function has been reported. ClinVar contains an entry for this variant (Variation ID: 1516811). Based on the evidence outlined above, the variant was classified as uncertain significance.

Labcorp Genetics (formerly Invitae), Labcorp
Classification: Likely pathogenic for X-linked severe combined immunodeficiency. Last evaluated: 2021-06-16. Review status: criteria provided, single submitter. Criteria: Invitae Variant Classification Sherloc (09022015). Collection method: clinical testing. Allele origin: germline.
Comment: In summary, the currently available evidence indicates that the variant is pathogenic, but additional data are needed to prove that conclusively. Therefore, this variant has been classified as Likely Pathogenic. This variant disrupts the p.Leu132 amino acid residue in IL2RG. Other variant(s) that disrupt this residue have been observed in individuals with IL2RG-related conditions (PMID: 9633906, Invitae), which suggests that this may be a clinically significant amino acid residue. This sequence change replaces leucine with histidine at codon 132 of the IL2RG protein (p.Leu132His). The leucine residue is highly conserved and there is a moderate physicochemical difference between leucine and histidine. This variant is not present in population databases (ExAC no frequency). This variant has been observed in individual(s) with clinical features of severe combined immunodeficiency (SCID) (Invitae). Advanced modeling of protein sequence and biophysical properties (such as structural, functional, and spatial information, amino acid conservation, physicochemical variation, residue mobility, and thermodynamic stability) performed at Invitae indicates that this missense variant is expected to disrupt IL2RG protein function.

Literature cited by the submitters: PubMed 9633906 (cited by Labcorp Genetics (formerly Invitae), Labcorp).